The following is an entry in ClinVar:

ClinVar aggregate classification (germline): Uncertain significance. Review status: criteria provided, multiple submitters, no conflicts (2 of 4 stars). 2 submissions from 2 submitters: Uncertain significance (2). Last evaluated 2025-07-13.

Conditions:
FBN2-related disorder. Also called: FBN2-related condition.
Inborn genetic diseases. Identifiers: MedGen C0950123, MeSH D030342.

Allele frequency attached by ClinVar (database versions not stated): TOPMed below 0.00001.
gnomAD v4.1: 1 of 1,614,098 alleles (0.000062%); highest among the groups gnomAD compares: African/African-American, 0.0013%; no homozygotes.

Submissions (2):

PreventionGenetics, part of Exact Sciences
Classification: Uncertain significance for FBN2-related condition. Last evaluated: 2025-07-13. Review status: criteria provided, single submitter. Criteria: ACMG Guidelines, 2015. Collection method: clinical testing. Allele origin: germline.
Comment: The FBN2 c.3181C>T variant is predicted to result in premature protein termination (p.Arg1061*). To our knowledge, this variant has not been reported in the literature or in a large population database (gnomAD), indicating this variant is rare. The majority of disease-causing variants in FBN2 are missense. A relatively smaller number of premature termination variants have been associated with disease, but this mechanism is not definitively established. Although we suspect that this variant may be pathogenic, at this time, the clinical significance of this variant is uncertain due to the absence of conclusive functional and genetic evidence.

Ambry Genetics
Classification: Uncertain significance for Inborn genetic diseases. Last evaluated: 2018-03-27. Review status: criteria provided, single submitter. Criteria: Ambry exome assertion method (8-5-2015). Collection method: clinical testing. Allele origin: germline. Affected: yes. Observed: 1 variant allele.

NM_001999.4(FBN2):c.3181C>T (p.Arg1061Ter)

Genes: FBN2 (fibrillin 2; minus strand), LOC126807501 (BRD4-independent group 4 enhancer GRCh37_chr5:127680731-127681930; plus strand). Cytogenetic location: 5q23.3.
Variant type: single nucleotide variant.
Coding change: c.3181C>T on transcript NM_001999.4 (MANE Select); coding-DNA position 3181, C replaced by T.
Protein change: p.Arg1061Ter; replaces arginine 1061 with a stop codon.
Molecular consequence: nonsense.
Genome position (GRCh38, 1-based): chr5:128,345,393, G>A on the plus strand (C>T on the coding strand, the complement: FBN2 is on the minus strand). VCF-style: chr5-128345393-G-A. GRCh37 (hg19) VCF-style: chr5-127681085-G-A.
Other names: short protein forms R1061*.
Identifiers: ClinVar variation 985433 (VCV000985433.4), dbSNP rs1751147330, ClinGen allele CA360762768.